The following is an entry in ClinVar:

ClinVar aggregate classification (germline): Uncertain significance (1 of 4 stars; one submission).

Conditions:
Inborn genetic diseases. Identifiers: MedGen C0950123, MeSH D030342.

Submission:

Ambry Genetics
Classification: Uncertain significance for Inborn genetic diseases. Last evaluated: 2025-02-22. Review status: criteria provided, single submitter. Criteria: Ambry Variant Classification Scheme 2023. Collection method: clinical testing. Allele origin: germline.
Comment: The p.V426A variant (also known as c.1277T>C), located in coding exon 6 of the SH2B3 gene, results from a T to C substitution at nucleotide position 1277. The valine at codon 426 is replaced by alanine, an amino acid with similar properties. This amino acid position is conserved. In addition, the in silico prediction for this alteration is inconclusive. Based on the available evidence, the clinical significance of this variant remains unclear.

NM_005475.3(SH2B3):c.1277T>C (p.Val426Ala)

Gene: SH2B3 (SH2B adaptor protein 3; plus strand). Cytogenetic location: 12q24.12.
Variant type: single nucleotide variant.
Coding change: c.1277T>C on transcript NM_005475.3 (MANE Select); coding-DNA position 1277, T replaced by C.
Protein change: p.Val426Ala; replaces valine 426 with alanine.
Molecular consequence: missense variant.
Genome position (GRCh38, 1-based): chr12:111,447,696, T>C. VCF-style: chr12-111447696-T-C. GRCh37 (hg19) VCF-style: chr12-111885500-T-C.
Other names: c.671T>C, p.Val224Ala (NM_001291424.1); short protein forms V426A, V224A.
Identifiers: ClinVar variation 3795217 (VCV003795217.1).